The following is an entry in ClinVar:

NM_014324.6(AMACR):c.553-1G>A

Genes: AMACR (alpha-methylacyl-CoA racemase; minus strand), C1QTNF3-AMACR (C1QTNF3-AMACR readthrough (NMD candidate); minus strand). Cytogenetic location: 5p13.2.
Variant type: single nucleotide variant.
Coding change: c.553-1G>A on transcript NM_014324.6 (MANE Select); the canonical splice acceptor site of the intron before coding-DNA position 553, G replaced by A.
Molecular consequence: splice acceptor variant.
Genome position (GRCh38, 1-based): chr5:33,998,828, C>T on the plus strand (G>A on the coding strand, the complement: AMACR is on the minus strand). VCF-style: chr5-33998828-C-T. GRCh37 (hg19) VCF-style: chr5-33998933-C-T.
Other names: c.392-1G>A (NM_203382.3); c.553-1G>A (NM_001167595.2).
Identifiers: ClinVar variation 2092491 (VCV002092491.4), dbSNP rs772158340, ClinGen allele CA3226166.

ClinVar aggregate classification (germline): Uncertain significance (1 of 4 stars; one submission).

Conditions:
Alpha-methylacyl-CoA racemase deficiency (AMACRD). Also called: AMACR deficiency. Identifiers: Orphanet 79095, MedGen C3280428, MONDO:0013681, OMIM 614307. Disease mechanism: loss of function.

Allele frequency attached by ClinVar (database versions not stated): gnomAD exomes below 0.00001; TOPMed below 0.00001; ExAC 0.00001.
gnomAD v4.1: 1 of 1,613,856 alleles (0.000062%); highest among the groups gnomAD compares: African/African-American, 0.0013%; no homozygotes.

Submission:

Labcorp Genetics (formerly Invitae), Labcorp
Classification: Uncertain significance for Alpha-methylacyl-CoA racemase deficiency. Last evaluated: 2022-02-25. Review status: criteria provided, single submitter. Criteria: Invitae Variant Classification Sherloc (09022015). Collection method: clinical testing. Allele origin: germline.
Comment: In summary, the available evidence is currently insufficient to determine the role of this variant in disease. Therefore, it has been classified as a Variant of Uncertain Significance. Algorithms developed to predict the effect of sequence changes on RNA splicing suggest that this variant may disrupt the consensus splice site. This variant has not been reported in the literature in individuals affected with AMACR-related conditions. This variant is not present in population databases (gnomAD no frequency). This sequence change affects an acceptor splice site in intron 3 of the AMACR gene. It is expected to disrupt RNA splicing. Variants that disrupt the donor or acceptor splice site typically lead to a loss of protein function (PMID: 16199547), however the current clinical and genetic evidence is not sufficient to establish whether loss-of-function variants in AMACR cause disease.

Literature cited by the submitters: PubMed 16199547.